The following is an entry in ClinVar:

ClinVar aggregate classification (germline): Conflicting classifications of pathogenicity. Review status: criteria provided, conflicting classifications (1 of 4 stars). 3 submissions from 3 submitters: Uncertain significance (1); Likely benign (2). Last evaluated 2025-12-15.

Conditions:
Inborn genetic diseases. Identifiers: MedGen C0950123, MeSH D030342.
KCNT2-related disorder. Also called: KCNT2-related condition. Identifiers: MedGen CN236796.

Allele frequency attached by ClinVar (database versions not stated): ExAC 0.00006; gnomAD 0.00010; ESP Exome Variant Server 0.00015; 1000 Genomes Project 30x 0.00047; 1000 Genomes Project 0.00060.
gnomAD v4.1: 142 of 1,613,988 alleles (0.0088%); highest among the groups gnomAD compares: Non-Finnish European, 0.011%; no homozygotes.

Submissions (3):

Ambry Genetics
Classification: Likely benign for Inborn genetic diseases. Last evaluated: 2025-12-15. Review status: criteria provided, single submitter. Criteria: Ambry Variant Classification Scheme 2023. Collection method: clinical testing. Allele origin: germline.

PreventionGenetics, part of Exact Sciences
Classification: Likely benign for KCNT2-related condition. Last evaluated: 2024-12-08. Review status: criteria provided, single submitter. Criteria: ACMG Guidelines, 2015. Collection method: clinical testing. Allele origin: germline.
Comment: This variant is classified as likely benign based on ACMG/AMP sequence variant interpretation guidelines (Richards et al. 2015 PMID: 25741868, with internal and published modifications).

CeGaT Center for Human Genetics Tuebingen
Classification: Uncertain significance. Last evaluated: 2023-09-01. Review status: criteria provided, single submitter. Criteria: CeGaT Center For Human Genetics Tuebingen Variant Classification Criteria Version 2. Collection method: clinical testing. Allele origin: germline. Affected: yes. Observed: 1 variant allele.

NM_198503.5(KCNT2):c.3014C>T (p.Ser1005Leu)

Gene: KCNT2 (potassium sodium-activated channel subfamily T member 2; minus strand). Cytogenetic location: 1q31.3.
Variant type: single nucleotide variant.
Coding change: c.3014C>T on transcript NM_198503.5 (MANE Select); coding-DNA position 3014, C replaced by T.
Protein change: p.Ser1005Leu; replaces serine 1005 with leucine.
Molecular consequence: missense variant. On other transcripts: non-coding transcript variant (2).
Genome position (GRCh38, 1-based): chr1:196,258,391, G>A on the plus strand (C>T on the coding strand, the complement: KCNT2 is on the minus strand). VCF-style: chr1-196258391-G-A. GRCh37 (hg19) VCF-style: chr1-196227521-G-A.
Other names: c.3014C>T (NM_198503.3, NM_198503.2); c.2942C>T, p.Ser981Leu (NM_001287819.3); c.2813C>T, p.Ser938Leu (NM_001287820.3); short protein forms S1005L, S938L, S981L.
Identifiers: ClinVar variation 2639674 (VCV002639674.25), dbSNP rs190445712, ClinGen allele CA1304010.